The following is an entry in ClinVar:

NM_000169.3(GLA):c.265C>T (p.Leu89Phe)

Genes: GLA (galactosidase alpha; minus strand), RPL36A-HNRNPH2 (RPL36A-HNRNPH2 readthrough; plus strand). Cytogenetic location: Xq22.1.
Variant type: single nucleotide variant.
Coding change: c.265C>T on transcript NM_000169.3 (MANE Select); coding-DNA position 265, C replaced by T.
Protein change: p.Leu89Phe; replaces leucine 89 with phenylalanine.
Molecular consequence: missense variant. On other transcripts: non-coding transcript variant (3), intron variant (2).
Genome position (GRCh38, 1-based): chrX:101,403,915, G>A on the plus strand (C>T on the coding strand, the complement: GLA is on the minus strand). VCF-style: chrX-101403915-G-A. GRCh37 (hg19) VCF-style: chrX-100658903-G-A.
Other names: c.388C>T, p.Leu130Phe (NM_001406747.1, NM_001406749.1); c.265C>T, p.Leu89Phe (NM_001406748.1); c.301-8021G>A (NM_001199973.2); c.178-8021G>A (NM_001199974.2); short protein forms L89F, L130F.
Identifiers: ClinVar variation 453314 (VCV000453314.20), dbSNP rs1555986305, ClinGen allele CA413933792.
Genomic context (GRCh38, chrX:101,403,915, plus strand): 5'-CTGCCTGAAGTCTGCCTTCTGAATCTCTTTGGGGAGCCATCCAACAGTCATCAATGCAGA[G>A]GTACTCATAACCTGCATCCTTCCAGCCTTCTGAGACCATGAGCTCTGCCATCTCCATGAA-3'
Protein context (NP_000160.1, residues 79-99): EGWKDAGYEY[Leu89Phe]CIDDCWMAPQ

ClinVar aggregate classification (germline): Conflicting classifications of pathogenicity. Review status: criteria provided, conflicting classifications (1 of 4 stars). 6 submissions from 6 submitters: Likely pathogenic (4); Uncertain significance (2). Last evaluated 2026-09-08.

Conditions:
Fabry disease. Also called: Fabry's disease; Angiokeratoma corporis diffusum; GLA DEFICIENCY; HEREDITARY DYSTOPIC LIPIDOSIS; ALPHA-GALACTOSIDASE A DEFICIENCY; ANDERSON-FABRY DISEASE. Identifiers: Orphanet 324, MedGen C0002986, MONDO:0010526, OMIM 301500, HP:0001071. Disease mechanism: loss of function, Fabry disease is due to inactivating mutations in the X-linked GLA gene resulting in deficiency of the enzyme Alpha Galactosidase-A..

Submissions (6):

Genomenon, Inc
Classification: Likely pathogenic for Fabry disease. Last evaluated: 2026-09-08. Review status: criteria provided, single submitter. Criteria: Genomenon Sequence Variant Interpretation Standards - Updated. Collection method: curation. Allele origin: germline. Affected: yes.
Comment: GLA p.Leu89Phe (c.265C>T) is a missense variant that changes the amino acid at codon 89 from Leucine to Phenylalanine. This variant has been observed in at least one proband with clinical features consistent with Fabry disease (PMID:40021930;36709535). Functional or patient cell studies have been reported (PMID:27657681). This variant is located in a mutational hotspot and/or important functional domain. It is absent or not present at a significant frequency in gnomAD. In conclusion, we classify GLA p.Leu89Phe (c.265C>T) as a likely pathogenic variant.

3billion
Classification: Likely pathogenic for Fabry disease. Last evaluated: 2025-08-08. Review status: criteria provided, single submitter. Criteria: ACMG Guidelines, 2015. Collection method: clinical testing. Allele origin: germline. Affected: yes.
Comment: The variant is not observed in the gnomAD v4.1.0 dataset. Predicted Consequence/Location: The variant is located in a mutational hot spot and/or well-established functional domain in which established pathogenic variants have been reported. In silico tool predictions suggest damaging effect of the variant on gene or gene product [REVEL: 0.63 (>=0.6, sensitivity 0.68 and specificity 0.92); 3Cnet: 0.86 (> 0.75, sensitivity 0.96 and precision 0.92)]. Different missense changes at the same codon (p.Leu89Arg, p.Leu89His, p.Leu89Pro) have been reported as pathogenic/likely pathogenic with strong evidence (ClinVar ID: VCV000633245, VCV004087319, VCV004087320 /PMID: 23935525, 7531540, 9100224). Therefore, this variant is classified as Likely pathogenic according to the recommendation of ACMG/AMP guideline.

Women's Health and Genetics/Laboratory Corporation of America, LabCorp
Classification: Likely pathogenic for Fabry disease. Last evaluated: 2025-07-25. Review status: criteria provided, single submitter. Criteria: LabCorp Variant Classification Summary - May 2015. Collection method: clinical testing. Allele origin: germline.
Comment: Variant summary: GLA c.265C>T (p.Leu89Phe) results in a non-conservative amino acid change in the encoded protein sequence. Algorithms developed to predict the effect of missense changes on protein structure and function all suggest that this variant is likely to be disruptive. The variant was absent in 183388 control chromosomes. A different variant affecting the same codon has been classified as likely pathogenic by our lab (c.266T>G,p.Leu89Arg), supporting the critical relevance of codon 89 to GLA protein function. At least one publication reports experimental evidence evaluating an impact on protein function. The most pronounced variant effect results in absent alpha-GAL enzyme activity in a patient carrying this variant (internal data). ClinVar contains an entry for this variant (Variation ID: 453314). Based on the evidence outlined above, the variant was classified as likely pathogenic.

Labcorp Genetics (formerly Invitae), Labcorp
Classification: Likely pathogenic for Fabry disease. Last evaluated: 2023-03-27. Review status: criteria provided, single submitter. Criteria: Invitae Variant Classification Sherloc (09022015). Collection method: clinical testing. Allele origin: germline.
Comment: In summary, the currently available evidence indicates that the variant is pathogenic, but additional data are needed to prove that conclusively. Therefore, this variant has been classified as Likely Pathogenic. Advanced modeling of protein sequence and biophysical properties (such as structural, functional, and spatial information, amino acid conservation, physicochemical variation, residue mobility, and thermodynamic stability) performed at Invitae indicates that this missense variant is not expected to disrupt GLA protein function. ClinVar contains an entry for this variant (Variation ID: 453314). This missense change has been observed in individual(s) with classic Fabry disease and reduced alpha-galactosidase enzyme activity (Invitae). This variant is not present in population databases (gnomAD no frequency). This sequence change replaces leucine, which is neutral and non-polar, with phenylalanine, which is neutral and non-polar, at codon 89 of the GLA protein (p.Leu89Phe).

Genome-Nilou Lab
Classification: Uncertain significance for Fabry disease. Last evaluated: 2021-07-15. Review status: criteria provided, single submitter. Criteria: ACMG Guidelines, 2015. Collection method: clinical testing. Allele origin: germline. Affected: no.

Eurofins Ntd Llc (ga)
Classification: Uncertain significance. Last evaluated: 2017-09-21. Review status: criteria provided, single submitter. Criteria: EGL Classification Definitions 2015. Collection method: clinical testing. Allele origin: germline. Observed: 1 variant allele, 1 hemizygote.

Literature cited by the submitters: PubMed 40021930 (cited by Genomenon, Inc); PubMed 36709535 (cited by Genomenon, Inc); PubMed 27657681 (cited by Genomenon, Inc); PubMed 23935525 (cited by 3billion).